The following is an entry in ClinVar:

ClinVar aggregate classification (germline): Likely benign. Review status: criteria provided, multiple submitters, no conflicts (2 of 4 stars). 2 submissions from 2 submitters: Likely benign (2). Last evaluated 2025-12-19.

Conditions:
EP300-related disorder. Also called: EP300-related disorders; EP300-related condition.
Rubinstein-Taybi syndrome due to EP300 haploinsufficiency. Also called: EP300-Related Rubinstein-Taybi Syndrome; RUBINSTEIN-TAYBI SYNDROME 2. Identifiers: Orphanet 353284, Orphanet 783, MedGen C3150941, MONDO:0013364, OMIM 613684.

Submissions (2):

PreventionGenetics, part of Exact Sciences
Classification: Likely benign for EP300-related condition. Last evaluated: 2025-12-19. Review status: criteria provided, single submitter. Criteria: ACMG Guidelines, 2015. Collection method: clinical testing. Allele origin: germline.
Comment: This variant is classified as likely benign based on ACMG/AMP sequence variant interpretation guidelines (Richards et al. 2015 PMID: 25741868, with internal and published modifications).

Labcorp Genetics (formerly Invitae), Labcorp
Classification: Likely benign for Rubinstein-Taybi syndrome due to EP300 haploinsufficiency. Last evaluated: 2024-09-19. Review status: criteria provided, single submitter. Criteria: Invitae Variant Classification Sherloc (09022015). Collection method: clinical testing. Allele origin: germline.

NM_001429.4(EP300):c.4173-17_4173-8del

Gene: EP300 (EP300 lysine acetyltransferase; plus strand). Cytogenetic location: 22q13.2.
Variant type: Microsatellite.
Coding change: c.4173-17_4173-8del on transcript NM_001429.4 (MANE Select); 17 bases into the intron before coding-DNA position 4173 through 8 bases into the intron before coding-DNA position 4173, 10 bases deleted (CTCTTCATTT; older notation c.4173-17_4173-8delCTCTTCATTT).
Molecular consequence: intron variant.
Genome position (GRCh38, 1-based): chr22:41,169,486-41,169,495, CTCTTCATTT deleted; deleting any 10 consecutive bases within chr22:41,169,476-41,169,495 gives the same sequence; the c. name uses the placement nearest the transcript's 3' end. VCF-style (leftmost placement, unchanged base first): chr22-41169475-CCTCTTCATTT-C. GRCh37 (hg19) VCF-style: chr22-41565479-CCTCTTCATTT-C.
Other names: c.4095-17_4095-8del (NM_001362843.2); c.4173-17_4173-8del10 (NM_001429.3).
Identifiers: ClinVar variation 3607134 (VCV003607134.3).